The following is an entry in ClinVar:

NM_002878.4(RAD51D):c.952G>A (p.Glu318Lys)

Genes: RAD51D (RAD51 paralog D; minus strand), RAD51L3-RFFL (RAD51L3-RFFL readthrough; minus strand). Cytogenetic location: 17q12.
Variant type: single nucleotide variant.
Coding change: c.952G>A on transcript NM_002878.4 (MANE Select); coding-DNA position 952, G replaced by A.
Protein change: p.Glu318Lys; replaces glutamic acid 318 with lysine.
Molecular consequence: missense variant. On other transcripts: non-coding transcript variant (2).
Genome position (GRCh38, 1-based): chr17:35,100,988, C>T on the plus strand (G>A on the coding strand, the complement: RAD51D is on the minus strand). VCF-style: chr17-35100988-C-T. GRCh37 (hg19) VCF-style: chr17-33428007-C-T.
Other names: c.1012G>A, p.Glu338Lys (NM_001142571.2); c.616G>A, p.Glu206Lys (NM_133629.3); short protein forms E318K, E338K, E206K.
Identifiers: ClinVar variation 230736 (VCV000230736.16), dbSNP rs876658737, ClinGen allele CA10580438.

ClinVar aggregate classification (germline): Uncertain significance. Review status: criteria provided, multiple submitters, no conflicts (2 of 4 stars). 5 submissions from 5 submitters: Uncertain significance (5). Last evaluated 2025-06-29.

Conditions:
Hereditary cancer-predisposing syndrome. Also called: Neoplastic Syndromes, Hereditary; Tumor predisposition; Hereditary Cancer Syndrome; Hereditary neoplastic syndrome. Identifiers: Orphanet 140162, MedGen C0027672, MeSH D009386, MONDO:0015356.
Breast-ovarian cancer, familial, susceptibility to, 4. Identifiers: Orphanet 145, MedGen C3280345, MONDO:0013669, OMIM 614291.

Allele frequency attached by ClinVar (database versions not stated): gnomAD below 0.00001 and 0.00001; gnomAD exomes below 0.00001; TOPMed 0.00001.
gnomAD v4.1: 2 of 1,613,766 alleles (0.00012%); highest among the groups gnomAD compares: South Asian, 0.0022%; no homozygotes.

Submissions (5):

Labcorp Genetics (formerly Invitae), Labcorp
Classification: Uncertain significance for Breast-ovarian cancer, familial, susceptibility to, 4. Last evaluated: 2025-06-29. Review status: criteria provided, single submitter. Criteria: Invitae Variant Classification Sherloc (09022015). Collection method: clinical testing. Allele origin: germline.
Comment: This sequence change replaces glutamic acid, which is acidic and polar, with lysine, which is basic and polar, at codon 318 of the RAD51D protein (p.Glu318Lys). This variant is not present in population databases (gnomAD no frequency). This variant has not been reported in the literature in individuals affected with RAD51D-related conditions. ClinVar contains an entry for this variant (Variation ID: 230736). An algorithm developed to predict the effect of missense changes on protein structure and function (PolyPhen-2) suggests that this variant is likely to be tolerated. In summary, the available evidence is currently insufficient to determine the role of this variant in disease. Therefore, it has been classified as a Variant of Uncertain Significance.

Ambry Genetics
Classification: Uncertain significance for Hereditary cancer-predisposing syndrome. Last evaluated: 2024-12-25. Review status: criteria provided, single submitter. Criteria: Ambry Variant Classification Scheme 2023. Collection method: clinical testing. Allele origin: germline.
Comment: The p.E318K variant (also known as c.952G>A), located in coding exon 10 of the RAD51D gene, results from a G to A substitution at nucleotide position 952. The glutamic acid at codon 318 is replaced by lysine, an amino acid with similar properties. This amino acid position is well conserved in available vertebrate species. In addition, this alteration is predicted to be tolerated by in silico analysis. Since supporting evidence is limited at this time, the clinical significance of this alteration remains unclear.

Color Diagnostics, LLC DBA Color Health
Classification: Uncertain significance for Hereditary cancer-predisposing syndrome. Last evaluated: 2024-06-17. Review status: criteria provided, single submitter. Criteria: ACMG Guidelines, 2015. Collection method: clinical testing. Allele origin: germline.
Comment: This missense variant replaces glutamic acid with lysine at codon 318 of the RAD51D protein. Computational prediction suggests that this variant may not impact protein structure and function (internally defined REVEL score threshold <= 0.5, PMID: 27666373). To our knowledge, functional studies have not been reported for this variant. This variant has not been reported in individuals affected with RAD51D-related disorders in the literature. This variant has not been identified in the general population by the Genome Aggregation Database (gnomAD). The available evidence is insufficient to determine the role of this variant in disease conclusively. Therefore, this variant is classified as a Variant of Uncertain Significance.

Baylor Genetics
Classification: Uncertain significance for Breast-ovarian cancer, familial, susceptibility to, 4. Last evaluated: 2023-12-17. Review status: criteria provided, single submitter. Criteria: ACMG Guidelines, 2015. Collection method: clinical testing. Allele origin: unknown.

GeneDx
Classification: Uncertain significance. Last evaluated: 2017-10-09. Review status: criteria provided, single submitter. Criteria: GeneDx Variant Classification (06012015). Collection method: clinical testing. Allele origin: germline. Affected: yes.
Comment: This variant is denoted RAD51D c.952G>A at the cDNA level, p.Glu318Lys (E318K) at the protein level,and results in the change of a Glutamic Acid to a Lysine (GAG>AAG). This variant has not, to our knowledge, beenpublished in the literature as pathogenic or benign. RAD51D Glu318Lys was not observed in large population cohorts(Lek 2016). Since Glutamic Acid and Lysine differ in polarity, charge, size or other properties, this is considered a non-conservative amino acid substitution. RAD51D Glu318Lys occurs at a position that is not conserved and is located inthe RAD51C binding domain (Miller 2004). In silico analyses are inconsistent regarding the effect this variant may haveon protein structure and function. Based on currently available evidence, it is unclear whether RAD51D Glu318Lys is apathogenic or benign variant. We consider it to be a variant of uncertain significance.